The following is an entry in ClinVar:

NM_000274.3(OAT):c.-94T>G

Gene: OAT (ornithine aminotransferase; minus strand). Cytogenetic location: 10q26.13.
Variant type: single nucleotide variant.
Coding change: c.-94T>G on transcript NM_000274.3; 94 bases upstream of the start codon, T replaced by G.
Genome position (GRCh38, 1-based): chr10:124,418,937, A>C on the plus strand (T>G on the coding strand, the complement: OAT is on the minus strand). VCF-style: chr10-124418937-A-C. GRCh37 (hg19) VCF-style: chr10-126107506-A-C.
Identifiers: ClinVar variation 299181 (VCV000299181.8), dbSNP rs4144117, ClinGen allele CA10634918.
Genomic context (GRCh38, chr10:124,418,937, plus strand): 5'-CAGCGCCTGAGGACAACCGGGTACACGCGGCGTCTATGAAGCGCAACAGTGACGCCGGAG[A>C]GTCACTGCAACTTAAAGGCTGATTCTGCCCCGCCCCCAAGACACCCTCGCCGCTCATTGG-3'

ClinVar aggregate classification (germline): Benign. Review status: criteria provided, multiple submitters, no conflicts (2 of 4 stars). 2 submissions from 2 submitters: Benign (2). Last evaluated 2018-01-12.

Conditions:
Ornithine aminotransferase deficiency (GACR). Also called: OKT DEFICIENCY; Ornithine ketoacid aminotransferase deficiency; Gyrate atrophy; Gyrate atrophy of choroid and retina; Girate atrophy of the retina; HYPERORNITHINEMIA WITH GYRATE ATROPHY OF CHOROID AND RETINA. Identifiers: Orphanet 414, MedGen C0018425, MONDO:0009796, OMIM 258870.

Allele frequency attached by ClinVar (database versions not stated): TOPMed 0.81034; gnomAD 0.82728; gnomAD exomes 0.83824; 1000 Genomes Project 0.86302; 1000 Genomes Project 30x 0.85603.

Submissions (2):

Illumina Laboratory Services, Illumina
Classification: Benign for Ornithine aminotransferase deficiency. Last evaluated: 2018-01-12. Review status: criteria provided, single submitter. Criteria: ICSL Variant Classification Criteria 13 December 2019. Collection method: clinical testing. Allele origin: germline.
Comment: This variant was observed in the ICSL laboratory as part of a predisposition screen in an ostensibly healthy population. It had not been previously curated by ICSL or reported in the Human Gene Mutation Database (HGMD: prior to June 1st, 2018), and was therefore a candidate for classification through an automated scoring system. Utilizing variant allele frequency, disease prevalence and penetrance estimates, and inheritance mode, an automated score was calculated to assess if this variant is too frequent to cause the disease. Based on the score and internal cut-off values, a variant classified as benign is not then subjected to further curation. The score for this variant resulted in a classification of benign for this disease.

Breakthrough Genomics
Classification: Benign. Review status: criteria provided, single submitter. Criteria: ACMG Guidelines, 2015. Collection method: not provided. Allele origin: germline. Inheritance: Autosomal recessive inheritance. Affected: yes.